The following is an entry in ClinVar:

NM_007294.4(BRCA1):c.3548A>T (p.Lys1183Ile)

Genes: BRCA1 (BRCA1 DNA repair associated; minus strand), LOC126862571 (BRD4-independent group 4 enhancer GRCh37_chr17:41243136-41244335; plus strand). Cytogenetic location: 17q21.31.
Variant type: single nucleotide variant.
Coding change: c.3548A>T on transcript NM_007294.4 (MANE Select); coding-DNA position 3548, A replaced by T.
Protein change: p.Lys1183Ile; replaces lysine 1183 with isoleucine.
Molecular consequence: missense variant. On other transcripts: intron variant (135).
Genome position (GRCh38, 1-based): chr17:43,091,983, T>A on the plus strand (A>T on the coding strand, the complement: BRCA1 is on the minus strand). VCF-style: chr17-43091983-T-A. GRCh37 (hg19) VCF-style: chr17-41244000-T-A.
Other names: c.3335A>T, p.Lys1112Ile (NM_001407571.1, NM_001407853.1, NM_001407894.1 and 9 more transcripts); c.3548A>T, p.Lys1183Ile (NM_001407581.1, NM_001407582.1, NM_001407583.1 and 30 more transcripts); c.3545A>T, p.Lys1182Ile (NM_001407587.1, NM_001407590.1, NM_001407591.1 and 22 more transcripts); c.3539A>T, p.Lys1180Ile (NM_001407646.1, NM_001407647.1); c.3425A>T, p.Lys1142Ile (NM_001407648.1, NM_001407664.1, NM_001407665.1 and 19 more transcripts); c.3422A>T, p.Lys1141Ile (NM_001407649.1, NM_001407670.1, NM_001407671.1 and 11 more transcripts); c.3470A>T, p.Lys1157Ile (NM_001407653.1, NM_001407654.1, NM_001407655.1 and 4 more transcripts); c.3467A>T, p.Lys1156Ile (NM_001407659.1, NM_001407660.1, NM_001407661.1 and 1 more transcripts); and 42 more; short protein forms K1183I, K1136I, K1071I, K1115I, K1135I, K1141I, K1157I, K1015I.
Identifiers: ClinVar variation 531339 (VCV000531339.18), dbSNP rs16942, ClinGen allele CA10594869.

ClinVar aggregate classification (germline): Conflicting classifications of pathogenicity. Review status: criteria provided, conflicting classifications (1 of 4 stars). 5 submissions from 5 submitters: Uncertain significance (3); Benign (1); Likely benign (1). Last evaluated 2025-11-23.

Conditions:
Hereditary breast ovarian cancer syndrome. Also called: Breast and ovarian cancer; Hereditary breast and/or ovarian cancer syndrome; BRCA1- and BRCA2-Associated Hereditary Breast and Ovarian Cancer; Hereditary breast and ovarian cancer syndrome; Hereditary breast and ovarian cancer syndrome (HBOC); Hereditary breast and ovarian cancer. Identifiers: Orphanet 145, MedGen C0677776, MeSH D061325, MONDO:0003582. Disease mechanism: loss of function.
Breast-ovarian cancer, familial, susceptibility to, 1 (BROVCA1). Also called: BRCA1 Hereditary Breast and Ovarian Cancer; OVARIAN CANCER, SUSCEPTIBILITY TO. Identifiers: Orphanet 145, MedGen C2676676, MONDO:0011450, OMIM 604370. Disease mechanism: loss of function.
Hereditary cancer-predisposing syndrome. Also called: Tumor predisposition; Hereditary Cancer Syndrome; Hereditary neoplastic syndrome; Neoplastic Syndromes, Hereditary. Identifiers: Orphanet 140162, MedGen C0027672, MeSH D009386, MONDO:0015356.

gnomAD v4.1: 1 of 1,613,786 alleles (0.000062%); highest among the groups gnomAD compares: Admixed American, 0.0017%; no homozygotes.

Submissions (5):

Labcorp Genetics (formerly Invitae), Labcorp
Classification: Uncertain significance for Hereditary breast ovarian cancer syndrome. Last evaluated: 2025-11-23. Review status: criteria provided, single submitter. Criteria: Invitae Variant Classification Sherloc (09022015). Collection method: clinical testing. Allele origin: germline.
Comment: This sequence change replaces lysine, which is basic and polar, with isoleucine, which is neutral and non-polar, at codon 1183 of the BRCA1 protein (p.Lys1183Ile). This variant is not present in population databases (gnomAD no frequency). This variant has not been reported in the literature in individuals affected with BRCA1-related conditions. ClinVar contains an entry for this variant (Variation ID: 531339). Invitae Evidence Modeling of protein sequence and biophysical properties (such as structural, functional, and spatial information, amino acid conservation, physicochemical variation, residue mobility, and thermodynamic stability) has been performed for this missense variant. However, the output from this modeling did not meet the statistical confidence thresholds required to predict the impact of this variant on BRCA1 protein function. In summary, the available evidence is currently insufficient to determine the role of this variant in disease. Therefore, it has been classified as a Variant of Uncertain Significance.

KCCC/NGS Laboratory, Kuwait Cancer Control Center
Classification: Benign for Breast-ovarian cancer, familial, susceptibility to, 1. Last evaluated: 2025-02-01. Review status: criteria provided, single submitter. Criteria: ACMG Guidelines, 2015. Collection method: clinical testing. Allele origin: germline. Affected: no.

University of Washington Department of Laboratory Medicine, University of Washington
Classification: Likely benign for Hereditary cancer-predisposing syndrome. Last evaluated: 2023-03-23. Review status: criteria provided, single submitter. Criteria: Dines et al. (Genet Med. 2020). Collection method: curation. Allele origin: germline.
Comment: Missense variant in a coldspot region where missense variants are very unlikely to be pathogenic (PMID:31911673).

BRCA1 coldspot (exon 11 using historical exon numbering). Reclassification based on statistical prior probability

Ambry Genetics
Classification: Uncertain significance for Hereditary cancer-predisposing syndrome. Last evaluated: 2019-08-28. Review status: criteria provided, single submitter. Criteria: Ambry Variant Classification Scheme 2023. Collection method: clinical testing. Allele origin: germline.
Comment: The p.K1183I variant (also known as c.3548A>T), located in coding exon 9 of the BRCA1 gene, results from an A to T substitution at nucleotide position 3548. The lysine at codon 1183 is replaced by isoleucine, an amino acid with dissimilar properties. This amino acid position is poorly conserved in available vertebrate species. In addition, this alteration is predicted to be tolerated by in silico analysis. Since supporting evidence is limited at this time, the clinical significance of this alteration remains unclear.

Color Diagnostics, LLC DBA Color Health
Classification: Uncertain significance for Hereditary cancer-predisposing syndrome. Last evaluated: 2019-06-16. Review status: criteria provided, single submitter. Criteria: ACMG Guidelines, 2015. Collection method: clinical testing. Allele origin: germline.